The following is an entry in ClinVar:

ClinVar aggregate classification (germline): Uncertain significance. Review status: criteria provided, multiple submitters, no conflicts (2 of 4 stars). 2 submissions from 2 submitters: Uncertain significance (2). Last evaluated 2025-06-17.

Conditions:
Tumor predisposition syndrome 3 (TPDS3). Also called: Melanoma, cutaneous malignant, susceptibility to, 10; Glioma susceptibility 9; LONG TELOMERE SYNDROME, POT1-RELATED; POT1 Tumor Predisposition. Identifiers: Orphanet 618, MedGen C4014476, MONDO:0014368, OMIM 615848.
Hereditary cancer-predisposing syndrome. Also called: Tumor predisposition; Hereditary Cancer Syndrome; Hereditary neoplastic syndrome; Neoplastic Syndromes, Hereditary. Identifiers: Orphanet 140162, MedGen C0027672, MeSH D009386, MONDO:0015356.

gnomAD v4.1: 1 of 1,500,656 alleles (0.000067%); highest among the groups gnomAD compares: Non-Finnish European, 0.000088%; no homozygotes.

Submissions (2):

St. Jude Molecular Pathology, St. Jude Children's Research Hospital
Classification: Uncertain significance for Tumor predisposition syndrome 3. Last evaluated: 2025-06-17. Review status: criteria provided, single submitter. Criteria: St. Jude Assertion Criteria 2020. Collection method: clinical testing. Allele origin: germline.
Comment: The POT1 c.38C>T p.(Pro13Leu) missense change is absent in gnomAD v2.1.1. The in silico tool REVEL is inconclusive about a pathogenic or benign effect of this variant on protein function, and to our knowledge functional studies have not been performed. To our knowledge, this variant has not been reported as pathogenic in individuals with POT1-associated conditions. In summary, the evidence currently available is insufficient to determine the clinical significance of this variant. It has therefore been classified as of uncertain significance.

Ambry Genetics
Classification: Uncertain significance for Hereditary cancer-predisposing syndrome. Last evaluated: 2024-06-27. Review status: criteria provided, single submitter. Criteria: Ambry Variant Classification Scheme 2023. Collection method: clinical testing. Allele origin: germline.
Comment: The p.P13L variant (also known as c.38C>T), located in coding exon 2 of the POT1 gene, results from a C to T substitution at nucleotide position 38. The proline at codon 13 is replaced by leucine, an amino acid with similar properties. This alteration was identified in 2 of 2928 melanoma cases and 0 of 3298 controls (Simonin-Wilmer I et al. J Med Genet, 2023 Jul;60:692-696). This variant is considered to be rare based on population cohorts in the Genome Aggregation Database (gnomAD). This amino acid position is highly conserved in available vertebrate species. In addition, the in silico prediction for this alteration is inconclusive. Based on the available evidence, the clinical significance of this variant remains unclear.

Literature cited by the submitters: PubMed 36539277 (cited by Ambry Genetics).

NM_015450.3(POT1):c.38C>T (p.Pro13Leu)

Gene: POT1 (protection of telomeres 1; minus strand). Cytogenetic location: 7q31.33.
Variant type: single nucleotide variant.
Coding change: c.38C>T on transcript NM_015450.3 (MANE Select); coding-DNA position 38, C replaced by T.
Protein change: p.Pro13Leu; replaces proline 13 with leucine.
Molecular consequence: missense variant. On other transcripts: 5 prime UTR variant (1), non-coding transcript variant (3).
Genome position (GRCh38, 1-based): chr7:124,892,352, G>A on the plus strand (C>T on the coding strand, the complement: POT1 is on the minus strand). VCF-style: chr7-124892352-G-A. GRCh37 (hg19) VCF-style: chr7-124532406-G-A.
Other names: c.-225C>T (NM_001042594.2); short protein forms P13L.
Identifiers: ClinVar variation 3423096 (VCV003423096.3).
Genomic context (GRCh38, chr7:124,892,352, plus strand): 5'-TTAAAGAACTTCACAACACCATAGACATTGACAATTGTACCACCCTTAAGTTGATTCAGG[G>A]GTGTATATATATAATTTGTTGCTGGAACCTAAAGAAAGAGAAGACAGTGAATACATTTAT-3'
Protein context (NP_056265.2, residues 3-23): LVPATNYIYT[Pro13Leu]LNQLKGGTIV